The following is an entry in ClinVar:

ClinVar aggregate classification (germline): Uncertain significance (1 of 4 stars; one submission).

Conditions:
Left ventricular noncompaction 8 (LVNC8). Identifiers: Orphanet 154, Orphanet 54260, MedGen C3809288, MONDO:0014152, OMIM 615373.

Allele frequency attached by ClinVar (database versions not stated): gnomAD exomes below 0.00001.
gnomAD v4.1: 2 of 1,613,630 alleles (0.00012%); highest among the groups gnomAD compares: Non-Finnish European, 0.00017%; no homozygotes.

Submission:

Labcorp Genetics (formerly Invitae), Labcorp
Classification: Uncertain significance for Left ventricular noncompaction 8. Last evaluated: 2025-01-06. Review status: criteria provided, single submitter. Criteria: Invitae Variant Classification Sherloc (09022015). Collection method: clinical testing. Allele origin: germline.
Comment: This sequence change replaces glutamic acid, which is acidic and polar, with lysine, which is basic and polar, at codon 308 of the PRDM16 protein (p.Glu308Lys). This variant is not present in population databases (gnomAD no frequency). This variant has not been reported in the literature in individuals affected with PRDM16-related conditions. ClinVar contains an entry for this variant (Variation ID: 999244). An algorithm developed to predict the effect of missense changes on protein structure and function (PolyPhen-2) suggests that this variant is likely to be disruptive. In summary, the available evidence is currently insufficient to determine the role of this variant in disease. Therefore, it has been classified as a Variant of Uncertain Significance.

NM_022114.4(PRDM16):c.922G>A (p.Glu308Lys)

Gene: PRDM16 (PR/SET domain 16; plus strand). Cytogenetic location: 1p36.32.
Variant type: single nucleotide variant.
Coding change: c.922G>A on transcript NM_022114.4 (MANE Select); coding-DNA position 922, G replaced by A.
Protein change: p.Glu308Lys; replaces glutamic acid 308 with lysine.
Molecular consequence: missense variant.
Genome position (GRCh38, 1-based): chr1:3,404,776, G>A. VCF-style: chr1-3404776-G-A. GRCh37 (hg19) VCF-style: chr1-3321340-G-A.
Other names: c.922G>A, p.Glu308Lys (NM_199454.3); short protein forms E308K.
Identifiers: ClinVar variation 999244 (VCV000999244.9), dbSNP rs1643531752, ClinGen allele CA338004621.
Genomic context (GRCh38, chr1:3,404,776, plus strand): 5'-AGTGAGCCTCGTCCTCTGCGCAGCCTGGAGCAGCACATGGTCATCCACACGGAGGAGCGC[G>A]AGTACAAATGCGACCAGTGTCCCAAGGCCTTCAACTGGAAGTCCAACCTCATCCGCCACC-3'
Protein context (NP_071397.3, residues 298-318): QHMVIHTEER[Glu308Lys]YKCDQCPKAF